The following is an entry in ClinVar:

NM_000070.3(CAPN3):c.1515_1518dup (p.Tyr507fs)

Gene: CAPN3 (calpain 3; plus strand). Cytogenetic location: 15q15.1.
Variant type: Duplication.
Coding change: c.1515_1518dup on transcript NM_000070.3 (MANE Select); coding-DNA positions 1515 to 1518, 4 bases duplicated (CATC; older notation c.1515_1518dupCATC).
Protein change: p.Tyr507fs; shifts the reading frame from tyrosine 507.
Molecular consequence: frameshift variant.
Genome position (GRCh38, 1-based): chr15:42,401,801-42,401,804, CATC duplicated; duplicating any 4 consecutive bases within chr15:42,401,800-42,401,804 gives the same sequence; the c. name uses the placement nearest the transcript's 3' end. VCF-style (leftmost placement, unchanged base first): chr15-42401799-G-GCCAT. GRCh37 (hg19) VCF-style: chr15-42693997-G-GCCAT.
Other names: c.1515_1518dup, p.Tyr507fs (NM_024344.2); c.1371_1374dup, p.Tyr459fs (NM_173087.2); short protein forms Y507fs, Y459fs.
Identifiers: ClinVar variation 1453063 (VCV001453063.8), dbSNP rs2141199970, ClinGen allele CA2573150884.

ClinVar aggregate classification (germline): Pathogenic. Review status: criteria provided, multiple submitters, no conflicts (2 of 4 stars). 3 submissions from 3 submitters: Pathogenic (3). Last evaluated 2026-01-21.

Conditions:
Autosomal recessive limb-girdle muscular dystrophy type 2A (LGMDR1). Also called: LEYDEN-MOEBIUS MUSCULAR DYSTROPHY; MUSCULAR DYSTROPHY, PELVOFEMORAL; Muscular dystrophy, limb-girdle, type 2A, Amish; Limb-girdle muscular dystrophy, type 2A; Calpainopathy. Identifiers: Orphanet 267, MedGen C1869123, MONDO:0009675, OMIM 253600. Disease mechanism: loss of function.

Submissions (3):

3billion
Classification: Pathogenic for Autosomal recessive limb-girdle muscular dystrophy type 2A. Last evaluated: 2026-01-21. Review status: criteria provided, single submitter. Criteria: ACMG Guidelines, 2015. Collection method: clinical testing. Allele origin: germline. Affected: yes.
Comment: The variant is not observed in the gnomAD v4.1.0 dataset. Predicted Consequence/Location: Frameshift: predicted to result in a loss or disruption of normal protein function through nonsense-mediated decay (NMD) or protein truncation. Multiple pathogenic variants are reported downstream of the variant. The variant has been reported at least twice as pathogenic with clinical assertions and evidence for the classification (ClinVar ID: VCV001453063). Therefore, this variant is classified as Pathogenic according to the recommendation of ACMG/AMP guideline.

Myriad Genetics, Inc.
Classification: Pathogenic for Autosomal recessive limb-girdle muscular dystrophy type 2A. Last evaluated: 2025-06-17. Review status: criteria provided, single submitter. Criteria: Myriad Autosomal Dominant, Autosomal Recessive and X-Linked Classification Criteria (2023). Collection method: clinical testing. Allele origin: unknown.
Comment: NM_000070.2(CAPN3):c.1515_1518dupCATC(Y507Hfs*71) is a frameshift variant classified as pathogenic in the context of calpainopathy. Y507Hfs*71 has not been observed in cases with relevant disease. Relevant functional assessments of this variant are not available in the literature. Y507Hfs*71 has not been observed in referenced population frequency databases. In summary, NM_000070.2(CAPN3):c.1515_1518dupCATC(Y507Hfs*71) is a frameshift variant in a gene where loss of function is a known mechanism of disease and is predicted to disrupt protein function. Please note: this variant was assessed in the context of healthy population screening.

Labcorp Genetics (formerly Invitae), Labcorp
Classification: Pathogenic for Autosomal recessive limb-girdle muscular dystrophy type 2A. Last evaluated: 2023-07-17. Review status: criteria provided, single submitter. Criteria: Invitae Variant Classification Sherloc (09022015). Collection method: clinical testing. Allele origin: germline.
Comment: This sequence change creates a premature translational stop signal (p.Tyr507Hisfs*71) in the CAPN3 gene. It is expected to result in an absent or disrupted protein product. Loss-of-function variants in CAPN3 are known to be pathogenic (PMID: 10330340, 15689361). This variant is not present in population databases (gnomAD no frequency). This variant has not been reported in the literature in individuals affected with CAPN3-related conditions. ClinVar contains an entry for this variant (Variation ID: 1453063). For these reasons, this variant has been classified as Pathogenic.

Literature cited by the submitters: PubMed 10330340 (cited by Labcorp Genetics (formerly Invitae), Labcorp); PubMed 15689361 (cited by Labcorp Genetics (formerly Invitae), Labcorp).